The following is an entry in ClinVar:

NM_003476.5(CSRP3):c.538G>T (p.Gly180Cys)

Gene: CSRP3 (cysteine and glycine rich protein 3; minus strand). Cytogenetic location: 11p15.1.
Variant type: single nucleotide variant.
Coding change: c.538G>T on transcript NM_003476.5 (MANE Select); coding-DNA position 538, G replaced by T.
Protein change: p.Gly180Cys; replaces glycine 180 with cysteine.
Molecular consequence: missense variant. On other transcripts: synonymous variant (1).
Genome position (GRCh38, 1-based): chr11:19,182,717, C>A on the plus strand (G>T on the coding strand, the complement: CSRP3 is on the minus strand). VCF-style: chr11-19182717-C-A. GRCh37 (hg19) VCF-style: chr11-19204264-C-A.
Other names: c.538G>T (NM_003476.3); c.369G>T, p.Arg123= (NM_001369404.1); short protein forms G180C.
Identifiers: ClinVar variation 698567 (VCV000698567.15), dbSNP rs547374738, ClinGen allele CA5916507.
Genomic context (GRCh38, chr11:19,182,717, plus strand): 5'-ACGGCGCACCTCTTCATTCTTTCTTTTCCACTTGTTGTGTAAGGCCTCCAAACCCAATAC[C>A]CGTGGGGCCAAAATTTTTGGCATAGCAAACTGTGAATGAGAAGAGGATGAAGGGAGAGAC-3'
Protein context (NP_003467.1, residues 170-190): VCYAKNFGPT[Gly180Cys]IGFGGLTQQV

ClinVar aggregate classification (germline): Conflicting classifications of pathogenicity. Review status: criteria provided, conflicting classifications (1 of 4 stars). 4 submissions from 4 submitters: Uncertain significance (1); Likely benign (3). Last evaluated 2026-01-12.

Conditions:
Cardiovascular phenotype. Identifiers: MedGen CN230736.
Hypertrophic cardiomyopathy 12. Identifiers: MedGen C2677491, MONDO:0012804, OMIM 612124.
Dilated cardiomyopathy 1M (CMD1M). Identifiers: Orphanet 154, MedGen C1843808, MONDO:0011840, OMIM 607482.

Allele frequency attached by ClinVar (database versions not stated): gnomAD 0.00001 and 0.00005; TOPMed 0.00002; gnomAD exomes 0.00006 and 0.00014; ExAC 0.00015; 1000 Genomes Project 0.00020; 1000 Genomes Project 30x 0.00031.
gnomAD v4.1: 87 of 1,614,142 alleles (0.0054%); highest among the groups gnomAD compares: South Asian, 0.091%; 1 homozygote.

Submissions (4):

Labcorp Genetics (formerly Invitae), Labcorp
Classification: Likely benign for Hypertrophic cardiomyopathy 12; Dilated cardiomyopathy 1M. Last evaluated: 2026-01-12. Review status: criteria provided, single submitter. Criteria: Invitae Variant Classification Sherloc (09022015). Collection method: clinical testing. Allele origin: germline.

Ambry Genetics
Classification: Likely benign for Cardiovascular phenotype. Last evaluated: 2024-10-24. Review status: criteria provided, single submitter. Criteria: Ambry Variant Classification Scheme 2023. Collection method: clinical testing. Allele origin: germline.

Blueprint Genetics
Classification: Likely benign. Last evaluated: 2024-04-09. Review status: criteria provided, single submitter. Criteria: ACMG Guidelines, 2015. Collection method: clinical testing. Allele origin: germline.

Victorian Clinical Genetics Services, Murdoch Childrens Research Institute
Classification: Uncertain significance for Hypertrophic cardiomyopathy 12. Last evaluated: 2020-05-21. Review status: criteria provided, single submitter. Criteria: ACMG Guidelines, 2015. Collection method: clinical testing. Allele origin: germline. Inheritance: Autosomal dominant inheritance.
Comment: Based on the classification scheme VCGS_Germline_v1.1.1, this variant is classified as 3C - VUS. Following criteria are met: 0102 - Loss-of-function is a known mechanism of disease for this gene. (N) 0107 - This gene is known to be associated with autosomal dominant disease. (N) 0200 - Variant is predicted to result in a missense amino acid change from glycine to cysteine (exon 6). (N) 0251 - Variant is heterozygous. (N) 0310 - Variant is present in gnomAD >=0.001 and <0.01 for a dominant condition (35 heterozygotes, 1 homozgote). (N) 0501 - Missense variant consistently predicted to be damaging by multiple in silico tools and highly conserved with a major amino acid change. (P) 0604 - Variant is not located in an established domain, motif, hotspot or informative constraint region. (N) 0705 - No comparable variants have previous evidence for pathogenicity. (N) 0806 - Moderate previous evidence of neutrality in unrelated individuals. This variant has been classified as likely benign in ClinVar. (B) 0905 - No segregation evidence has been identified for this variant. (N) 1007 - No published functional evidence has been identified for this variant. (N) Legend: (P) - Pathogenic, (N) - Neutral, (B) - Benign